The following is an entry in ClinVar:

ClinVar aggregate classification (germline): Uncertain significance. Review status: criteria provided, multiple submitters, no conflicts (2 of 4 stars). 3 submissions from 3 submitters: Uncertain significance (3). Last evaluated 2023-12-05.

Conditions:
Autosomal recessive limb-girdle muscular dystrophy type 2K. Also called: MUSCULAR DYSTROPHY-DYSTROGLYCANOPATHY (LIMB-GIRDLE), TYPE C, 1; MUSCULAR DYSTROPHY, LIMB-GIRDLE, TYPE 2K. Identifiers: Orphanet 86812, MedGen C1836373, MONDO:0012248, OMIM 609308.
Walker-Warburg congenital muscular dystrophy. Also called: Muscular dystrophy-dystroglycanopathy, type A; Walker-Warburg syndrome. Identifiers: Orphanet 899, MedGen C0265221, MONDO:0000171.
Muscular dystrophy-dystroglycanopathy (congenital with impaired intellectual development), type B, 1. Also called: Muscular dystrophy-dystroglycanopathy (congenital with intellectual disability), type B1; MUSCULAR DYSTROPHY, CONGENITAL, POMT1-RELATED. Identifiers: MedGen C5436962, MONDO:0013159, OMIM 613155.

Allele frequency attached by ClinVar (database versions not stated): gnomAD 0.00001; TOPMed 0.00001.
gnomAD v4.1: 41 of 1,550,282 alleles (0.0026%); highest among the groups gnomAD compares: Non-Finnish European, 0.0032%; no homozygotes.

Submissions (3):

Revvity Omics, Revvity
Classification: Uncertain significance. Last evaluated: 2023-12-05. Review status: criteria provided, single submitter. Criteria: ACMG Guidelines, 2015. Collection method: clinical testing. Allele origin: germline.

Mayo Clinic Laboratories, Mayo Clinic
Classification: Uncertain significance. Last evaluated: 2023-03-17. Review status: criteria provided, single submitter. Criteria: ACMG Guidelines, 2015. Collection method: clinical testing. Allele origin: germline. Observed: 1 variant allele.
Comment: BP4, PM2

Labcorp Genetics (formerly Invitae), Labcorp
Classification: Uncertain significance for Muscular dystrophy-dystroglycanopathy (congenital with impaired intellectual development), type B, 1; Walker-Warburg congenital muscular dystrophy; Autosomal recessive limb-girdle muscular dystrophy type 2K. Last evaluated: 2022-01-11. Review status: criteria provided, single submitter. Criteria: Invitae Variant Classification Sherloc (09022015). Collection method: clinical testing. Allele origin: germline.
Comment: This sequence change replaces serine, which is neutral and polar, with leucine, which is neutral and non-polar, at codon 547 of the POMT1 protein (p.Ser547Leu). This variant is not present in population databases (gnomAD no frequency). This variant has not been reported in the literature in individuals affected with POMT1-related conditions. ClinVar contains an entry for this variant (Variation ID: 959174). Algorithms developed to predict the effect of missense changes on protein structure and function output the following: SIFT: "Tolerated"; PolyPhen-2: "Benign"; Align-GVGD: "Class C0". The leucine amino acid residue is found in multiple mammalian species, which suggests that this missense change does not adversely affect protein function. In summary, the available evidence is currently insufficient to determine the role of this variant in disease. Therefore, it has been classified as a Variant of Uncertain Significance.

NM_001077365.2(POMT1):c.1574C>T (p.Ser525Leu)

Gene: POMT1 (protein O-mannosyltransferase 1; plus strand). Cytogenetic location: 9q34.13.
Variant type: single nucleotide variant.
Coding change: c.1574C>T on transcript NM_001077365.2 (MANE Select); coding-DNA position 1574, C replaced by T.
Protein change: p.Ser525Leu; replaces serine 525 with leucine.
Molecular consequence: missense variant. On other transcripts: non-coding transcript variant (10), intron variant (1).
Genome position (GRCh38, 1-based): chr9:131,519,476, C>T. VCF-style: chr9-131519476-C-T. GRCh37 (hg19) VCF-style: chr9-134394863-C-T.
Other names: p.Ser547Leu; c.1412C>T, p.Ser471Leu (NM_001077366.2, NM_001353194.2); c.1574C>T, p.Ser525Leu (NM_001136113.2); c.1223C>T, p.Ser408Leu (NM_001136114.2, NM_001353195.2, NM_001374691.1 and 2 more transcripts); c.1640C>T, p.Ser547Leu (NM_001353193.2, NM_007171.4); c.1484C>T, p.Ser495Leu (NM_001353196.2); c.1478C>T, p.Ser493Leu (NM_001353197.2, NM_001353198.2); c.1289C>T, p.Ser430Leu (NM_001353199.2); and 4 more; short protein forms S373L, S395L, S408L, S495L, S547L, S430L, S493L, S521L.
Identifiers: ClinVar variation 959174 (VCV000959174.10), dbSNP rs1018748368, ClinGen allele CA375312966.